The following is an entry in ClinVar:

NM_015278.5(SASH1):c.39T>C (p.Pro13=)

Gene: SASH1 (SAM and SH3 domain containing 1; plus strand). Cytogenetic location: 6q24.3.
Variant type: single nucleotide variant.
Coding change: c.39T>C on transcript NM_015278.5 (MANE Select); coding-DNA position 39, T replaced by C.
Protein change: p.Pro13=; no amino-acid change (proline 13 retained).
Molecular consequence: synonymous variant. On other transcripts: 5 prime UTR variant (1), intron variant (1).
Genome position (GRCh38, 1-based): chr6:148,343,106, T>C. VCF-style: chr6-148343106-T-C. GRCh37 (hg19) VCF-style: chr6-148664242-T-C.
Other names: c.-399T>C (NM_001346506.2); c.22-47028T>C (NM_001346505.2).
Identifiers: ClinVar variation 3904871 (VCV003904871.10).

ClinVar aggregate classification (germline): Likely benign (1 of 4 stars; one submission).

gnomAD v4.1: 27 of 1,573,512 alleles (0.0017%); highest among the groups gnomAD compares: South Asian, 0.0068%; no homozygotes.

Submission:

CeGaT Center for Human Genetics Tuebingen
Classification: Likely benign. Last evaluated: 2025-05-01. Review status: criteria provided, single submitter. Criteria: CeGaT Center For Human Genetics Tuebingen Variant Classification Criteria Version 2. Collection method: clinical testing. Allele origin: germline. Affected: yes. Observed: 1 variant allele.
Comment: SASH1: BP4, BP7